The following is an entry in ClinVar:

NM_004360.5(CDH1):c.110A>G (p.Tyr37Cys)

Gene: CDH1 (cadherin 1; plus strand). Cytogenetic location: 16q22.1.
Variant type: single nucleotide variant.
Coding change: c.110A>G on transcript NM_004360.5 (MANE Select); coding-DNA position 110, A replaced by G.
Protein change: p.Tyr37Cys; replaces tyrosine 37 with cysteine.
Molecular consequence: missense variant. On other transcripts: 5 prime UTR variant (2).
Genome position (GRCh38, 1-based): chr16:68,738,358, A>G. VCF-style: chr16-68738358-A-G. GRCh37 (hg19) VCF-style: chr16-68772261-A-G.
Other names: c.110A>G, p.Tyr37Cys (NM_001317184.2); c.-1506A>G (NM_001317185.2); c.-1710A>G (NM_001317186.2); short protein forms Y37C.
Identifiers: ClinVar variation 2821921 (VCV002821921.4), dbSNP rs2152114415, ClinGen allele CA396452051.

ClinVar aggregate classification (germline): Uncertain significance. Review status: criteria provided, multiple submitters, no conflicts (2 of 4 stars). 2 submissions from 2 submitters: Uncertain significance (2). Last evaluated 2023-12-07.

Conditions:
Hereditary diffuse gastric adenocarcinoma (HDGC). Also called: DIFFUSE GASTRIC AND LOBULAR BREAST CANCER SYNDROME. Identifiers: Orphanet 26106, MedGen C1708349, MONDO:0007648, OMIM 137215.
Hereditary cancer-predisposing syndrome. Also called: Neoplastic Syndromes, Hereditary; Hereditary Cancer Syndrome; Hereditary neoplastic syndrome; Tumor predisposition. Identifiers: Orphanet 140162, MedGen C0027672, MeSH D009386, MONDO:0015356.

Submissions (2):

Ambry Genetics
Classification: Uncertain significance for Hereditary cancer-predisposing syndrome. Last evaluated: 2023-12-07. Review status: criteria provided, single submitter. Criteria: Ambry Variant Classification Scheme 2023. Collection method: clinical testing. Allele origin: germline.
Comment: The p.Y37C variant (also known as c.110A>G), located in coding exon 2 of the CDH1 gene, results from an A to G substitution at nucleotide position 110. The tyrosine at codon 37 is replaced by cysteine, an amino acid with highly dissimilar properties. This amino acid position is highly conserved in available vertebrate species. In addition, the in silico prediction for this alteration is inconclusive. Since supporting evidence is limited at this time, the clinical significance of this alteration remains unclear.

Labcorp Genetics (formerly Invitae), Labcorp
Classification: Uncertain significance for Hereditary diffuse gastric adenocarcinoma. Last evaluated: 2022-12-18. Review status: criteria provided, single submitter. Criteria: Invitae Variant Classification Sherloc (09022015). Collection method: clinical testing. Allele origin: germline.
Comment: This variant is not present in population databases (gnomAD no frequency). In summary, the available evidence is currently insufficient to determine the role of this variant in disease. Therefore, it has been classified as a Variant of Uncertain Significance. Algorithms developed to predict the effect of missense changes on protein structure and function are either unavailable or do not agree on the potential impact of this missense change (SIFT: "Deleterious"; PolyPhen-2: "Probably Damaging"; Align-GVGD: "Class C0"). This variant has not been reported in the literature in individuals affected with CDH1-related conditions. This sequence change replaces tyrosine, which is neutral and polar, with cysteine, which is neutral and slightly polar, at codon 37 of the CDH1 protein (p.Tyr37Cys).